The following is an entry in ClinVar:

ClinVar aggregate classification (germline): Uncertain significance. Review status: criteria provided, multiple submitters, no conflicts (2 of 4 stars). 2 submissions from 2 submitters: Uncertain significance (2). Last evaluated 2026-02-16.

Conditions:
Developmental delay with variable intellectual impairment and behavioral abnormalities. Identifiers: MedGen C5193092, MONDO:0032745, OMIM 618430.

gnomAD v4.1: 4 of 1,614,202 alleles (0.00025%); highest among the groups gnomAD compares: South Asian, 0.0011%; no homozygotes.

Submissions (2):

Women's Health and Genetics/Laboratory Corporation of America, LabCorp
Classification: Uncertain significance. Last evaluated: 2026-02-16. Review status: criteria provided, single submitter. Criteria: LabCorp Variant Classification Summary - May 2015. Collection method: clinical testing. Allele origin: germline.
Comment: Variant summary: TCF20 c.2000A>G (p.Lys667Arg) results in a conservative amino acid change in the encoded protein sequence. Algorithms developed to predict the effect of missense changes on protein structure and function are either unavailable or do not agree on the potential impact of this missense change. The variant was absent in 251450 control chromosomes. The available data on variant occurrences in the general population are insufficient to allow any conclusion about variant significance. To our knowledge, no occurrence of c.2000A>G in individuals affected with TCF20-related conditions and no experimental evidence demonstrating its impact on protein function have been reported. ClinVar contains an entry for this variant (Variation ID: 3602593). Based on the evidence outlined above, the variant was classified as uncertain significance.

Clinical Genomics Laboratory, Washington University in St. Louis
Classification: Uncertain significance for Developmental delay with variable intellectual impairment and behavioral abnormalities. Last evaluated: 2025-01-03. Review status: criteria provided, single submitter. Criteria: ACMG Guidelines, 2015. Collection method: clinical testing. Allele origin: germline.
Comment: The TCF20 c.2000A>G (p.Lys667Arg) variant, to our knowledge, has not been reported in the medical literature and is absent from the general population (gnomAD v.2.1.1), indicating it is not a common variant. Computational predictors suggest that the variant does not impact TCF20 function. Due to limited information, and based on ACMG/AMP guidelines for variant interpretation (Richards S et al., PMID: 25741868), the clinical significance of this variant is uncertain at this time.

NM_001378418.1(TCF20):c.2000A>G (p.Lys667Arg)

Gene: TCF20 (transcription factor 20; minus strand). Cytogenetic location: 22q13.2.
Variant type: single nucleotide variant.
Coding change: c.2000A>G on transcript NM_001378418.1 (MANE Select); coding-DNA position 2000, A replaced by G.
Protein change: p.Lys667Arg; replaces lysine 667 with arginine.
Molecular consequence: missense variant.
Genome position (GRCh38, 1-based): chr22:42,213,306, T>C on the plus strand (A>G on the coding strand, the complement: TCF20 is on the minus strand). VCF-style: chr22-42213306-T-C. GRCh37 (hg19) VCF-style: chr22-42609312-T-C.
Other names: c.2000A>G, p.Lys667Arg (NM_005650.4, NM_181492.3); short protein forms K667R.
Identifiers: ClinVar variation 3602593 (VCV003602593.2).